The following is an entry in ClinVar:

NM_017617.5(NOTCH1):c.4879C>T (p.Arg1627Cys)

Gene: NOTCH1 (notch receptor 1; minus strand). Cytogenetic location: 9q34.3.
Variant type: single nucleotide variant.
Coding change: c.4879C>T on transcript NM_017617.5 (MANE Select); coding-DNA position 4879, C replaced by T.
Protein change: p.Arg1627Cys; replaces arginine 1627 with cysteine.
Molecular consequence: missense variant.
Genome position (GRCh38, 1-based): chr9:136,504,812, G>A on the plus strand (C>T on the coding strand, the complement: NOTCH1 is on the minus strand). VCF-style: chr9-136504812-G-A. GRCh37 (hg19) VCF-style: chr9-139399264-G-A.
Other names: c.4879C>T, p.Arg1627Cys (LRG_1122t1); short protein forms R1627C.
Identifiers: ClinVar variation 452341 (VCV000452341.3), dbSNP rs1203442527, ClinGen allele CA375644555.

ClinVar aggregate classification (germline): Uncertain significance. Review status: criteria provided, multiple submitters, no conflicts (2 of 4 stars). 2 submissions from 2 submitters: Uncertain significance (2). Last evaluated 2024-11-19.

Conditions:
Familial thoracic aortic aneurysm and aortic dissection (TAAD). Also called: Thoracic aortic aneurysms and dissections. Identifiers: Orphanet 91387, MedGen C4707243, MONDO:0019625.

Allele frequency attached by ClinVar (database versions not stated): gnomAD exomes below 0.00001; TOPMed 0.00001.
gnomAD v4.1: 5 of 1,565,708 alleles (0.00032%); highest among the groups gnomAD compares: East Asian, 0.0047%; no homozygotes.

Submissions (2):

Ambry Genetics
Classification: Uncertain significance for Familial thoracic aortic aneurysm and aortic dissection. Last evaluated: 2024-11-19. Review status: criteria provided, single submitter. Criteria: Ambry Variant Classification Scheme 2023. Collection method: clinical testing. Allele origin: germline.
Comment: The p.R1627C variant (also known as c.4879C>T), located in coding exon 26 of the NOTCH1 gene, results from a C to T substitution at nucleotide position 4879. The arginine at codon 1627 is replaced by cysteine, an amino acid with highly dissimilar properties. This amino acid position is poorly conserved in available vertebrate species. In addition, this alteration is predicted to be tolerated by in silico analysis. Based on the available evidence, the clinical significance of this variant remains unclear.

GeneDx
Classification: Uncertain significance. Last evaluated: 2017-09-21. Review status: criteria provided, single submitter. Criteria: GeneDx Variant Classification (06012015). Collection method: clinical testing. Allele origin: germline. Affected: yes.
Comment: The R1627C variant in the NOTCH1 gene has not been reported previously as a pathogenic variant, nor as a benign variant, to our knowledge. The R1627C variant is not observed in large population cohorts (Lek et al., 2016; 1000 Genomes Consortium et al., 2015; Exome Variant Server). The R1627C variant is a non-conservative amino acid substitution, which is likely to impact secondary protein structure as these residues differ in polarity, charge, size and/or other properties. This substitution occurs at a position that is not conserved. In silico analysis is inconsistent in its predictions as to whether or not the variant is damaging to the protein structure/function. We interpret R1627C as a variant of uncertain significance